The following is an entry in ClinVar:

ClinVar aggregate classification (germline): Uncertain significance (1 of 4 stars; one submission).

Allele frequency attached by ClinVar (database versions not stated): gnomAD exomes below 0.00001.
gnomAD v4.1: 1 of 1,565,008 alleles (0.000064%); highest among the groups gnomAD compares: Admixed American, 0.0019%; no homozygotes.

Submission:

GeneDx
Classification: Uncertain significance. Last evaluated: 2023-03-06. Review status: criteria provided, single submitter. Criteria: GeneDx Variant Classification Process June 2021. Collection method: clinical testing. Allele origin: germline. Affected: yes.
Comment: Not observed at significant frequency in large population cohorts (gnomAD); In silico analysis supports that this missense variant has a deleterious effect on protein structure/function; Has not been previously published as pathogenic or benign to our knowledge

NM_001039141.3(TRIOBP):c.6025G>T (p.Gly2009Cys)

Gene: TRIOBP (TRIO and F-actin binding protein; plus strand). Cytogenetic location: 22q13.1.
Variant type: single nucleotide variant.
Coding change: c.6025G>T on transcript NM_001039141.3 (MANE Select); coding-DNA position 6025, G replaced by T.
Protein change: p.Gly2009Cys; replaces glycine 2009 with cysteine.
Molecular consequence: missense variant.
Genome position (GRCh38, 1-based): chr22:37,757,950, G>T. VCF-style: chr22-37757950-G-T. GRCh37 (hg19) VCF-style: chr22-38153957-G-T.
Other names: c.886G>T, p.Gly296Cys (NM_007032.5, NM_138632.2); short protein forms G2009C, G296C.
Identifiers: ClinVar variation 2579564 (VCV002579564.1), dbSNP rs1198476359, ClinGen allele CA411507500.